The following is an entry in ClinVar:

NM_002485.5(NBN):c.1211A>G (p.Lys404Arg)

Gene: NBN (nibrin; minus strand). Cytogenetic location: 8q21.3.
Variant type: single nucleotide variant.
Coding change: c.1211A>G on transcript NM_002485.5 (MANE Select); coding-DNA position 1211, A replaced by G.
Protein change: p.Lys404Arg; replaces lysine 404 with arginine.
Molecular consequence: missense variant.
Genome position (GRCh38, 1-based): chr8:89,955,469, T>C on the plus strand (A>G on the coding strand, the complement: NBN is on the minus strand). VCF-style: chr8-89955469-T-C. GRCh37 (hg19) VCF-style: chr8-90967697-T-C.
Other names: c.965A>G, p.Lys322Arg (NM_001024688.3); short protein forms K404R, K322R.
Identifiers: ClinVar variation 2566745 (VCV002566745.2), dbSNP rs2488244745, ClinGen allele CA371656354.
Genomic context (GRCh38, chr8:89,955,469, plus strand): 5'-ATCTTAGCCAAAGTATTTGATACCATACTATTATTATTAGAGCTTGTTTTGCAGGACTCC[T>C]TTACAGTGGGTGCATCTTGTGAAAGCATTCTGAATTTTTGTTCCATTTTGGAGACTTTGA-3'
Protein context (NP_002476.2, residues 394-414): RMLSQDAPTV[Lys404Arg]ESCKTSSNNN

ClinVar aggregate classification (germline): Uncertain significance (1 of 4 stars; one submission).

Conditions:
Hereditary cancer-predisposing syndrome. Also called: Hereditary neoplastic syndrome; Hereditary Cancer Syndrome; Neoplastic Syndromes, Hereditary; Tumor predisposition. Identifiers: Orphanet 140162, MedGen C0027672, MeSH D009386, MONDO:0015356.

Submission:

Ambry Genetics
Classification: Uncertain significance for Hereditary cancer-predisposing syndrome. Last evaluated: 2023-06-10. Review status: criteria provided, single submitter. Criteria: Ambry Variant Classification Scheme 2023. Collection method: clinical testing. Allele origin: germline.
Comment: The p.K404R variant (also known as c.1211A>G), located in coding exon 10 of the NBN gene, results from an A to G substitution at nucleotide position 1211. The lysine at codon 404 is replaced by arginine, an amino acid with highly similar properties. This amino acid position is conserved. In addition, this alteration is predicted to be tolerated by in silico analysis. Since supporting evidence is limited at this time, the clinical significance of this alteration remains unclear.